The following is an entry in ClinVar:

NM_001004334.4(GPR179):c.257G>A (p.Gly86Glu)

Gene: GPR179 (G protein-coupled receptor 179; minus strand). Cytogenetic location: 17q12.
Variant type: single nucleotide variant.
Coding change: c.257G>A on transcript NM_001004334.4 (MANE Select); coding-DNA position 257, G replaced by A.
Protein change: p.Gly86Glu; replaces glycine 86 with glutamic acid.
Molecular consequence: missense variant.
Genome position (GRCh38, 1-based): chr17:38,343,533, C>T on the plus strand (G>A on the coding strand, the complement: GPR179 is on the minus strand). VCF-style: chr17-38343533-C-T. GRCh37 (hg19) VCF-style: chr17-36499416-C-T.
Other names: c.257G>A (NM_001004334.2); short protein forms G86E.
Identifiers: ClinVar variation 1952806 (VCV001952806.3), dbSNP rs754358716, ClinGen allele CA290111819.

ClinVar aggregate classification (germline): Conflicting classifications of pathogenicity. Review status: criteria provided, conflicting classifications (1 of 4 stars). 2 submissions from 2 submitters: Uncertain significance (1); Likely benign (1). Last evaluated 2025-08-26.

Conditions:
Inborn genetic diseases. Identifiers: MedGen C0950123, MeSH D030342.

Allele frequency attached by ClinVar (database versions not stated): ExAC 0.00003.
gnomAD v4.1: 20 of 1,613,682 alleles (0.0012%); highest among the groups gnomAD compares: Admixed American, 0.017%; no homozygotes.

Submissions (2):

Ambry Genetics
Classification: Likely benign for Inborn genetic diseases. Last evaluated: 2025-08-26. Review status: criteria provided, single submitter. Criteria: Ambry Variant Classification Scheme 2023. Collection method: clinical testing. Allele origin: germline.

Labcorp Genetics (formerly Invitae), Labcorp
Classification: Uncertain significance. Last evaluated: 2022-07-13. Review status: criteria provided, single submitter. Criteria: Invitae Variant Classification Sherloc (09022015). Collection method: clinical testing. Allele origin: germline.
Comment: This sequence change replaces glycine, which is neutral and non-polar, with glutamic acid, which is acidic and polar, at codon 86 of the GPR179 protein (p.Gly86Glu). This variant is present in population databases (rs754358716, gnomAD 0.02%). This variant has not been reported in the literature in individuals affected with GPR179-related conditions. Algorithms developed to predict the effect of missense changes on protein structure and function output the following: SIFT: "Tolerated"; PolyPhen-2: "Benign"; Align-GVGD: "Class C0". The glutamic acid amino acid residue is found in multiple mammalian species, which suggests that this missense change does not adversely affect protein function. In summary, the available evidence is currently insufficient to determine the role of this variant in disease. Therefore, it has been classified as a Variant of Uncertain Significance.